The following is an entry in ClinVar:

NM_001267550.2(TTN):c.48952A>C (p.Ile16318Leu)

Genes: TTN (titin; minus strand), TTN-AS1 (TTN antisense RNA 1; plus strand), LOC126806426 (BRD4-independent group 4 enhancer GRCh37_chr2:179478848-179480047; plus strand). Cytogenetic location: 2q31.2.
Variant type: single nucleotide variant.
Coding change: c.48952A>C on transcript NM_001267550.2 (MANE Select); coding-DNA position 48952, A replaced by C.
Protein change: p.Ile16318Leu; replaces isoleucine 16318 with leucine.
Molecular consequence: missense variant. On other transcripts: non-coding transcript variant (1).
Genome position (GRCh38, 1-based): chr2:178,614,562, T>G on the plus strand (A>C on the coding strand, the complement: TTN is on the minus strand). VCF-style: chr2-178614562-T-G. GRCh37 (hg19) VCF-style: chr2-179479289-T-G.
Other names: c.44029A>C, p.Ile14677Leu (NM_001256850.1); c.21757A>C, p.Ile7253Leu (NM_003319.4); c.41248A>C, p.Ile13750Leu (NM_133378.4); c.22132A>C, p.Ile7378Leu (NM_133432.3); c.22333A>C, p.Ile7445Leu (NM_133437.4); short protein forms I13750L, I14677L, I16318L, I7253L, I7378L, I7445L.
Identifiers: ClinVar variation 995664 (VCV000995664.9), dbSNP rs962564634, ClinGen allele CA60987660.
Genomic context (GRCh38, chr2:178,614,562, plus strand): 5'-CACACACATTCACAGCCTCAATGATATATGTGCCAGTGTCACTTCTCTTACTATCAACAA[T>G]AGTCACTGTGGATTTCTTAGGGACATTTTCAATGGTAATTCTTTTGTCCTGCTTCAGAAT-3'
Protein context (NP_001254479.2, residues 16308-16328): ENVPKKSTVT[Ile16318Leu]VDSKRSDTGT

ClinVar aggregate classification (germline): Uncertain significance. Review status: criteria provided, multiple submitters, no conflicts (2 of 4 stars). 2 submissions from 2 submitters: Uncertain significance (2). Last evaluated 2020-01-28.

Conditions:
Cardiovascular phenotype. Identifiers: MedGen CN230736.

Allele frequency attached by ClinVar (database versions not stated): gnomAD 0.00001; TOPMed 0.00001.
gnomAD v4.1: 2 of 1,612,288 alleles (0.00012%); highest among the groups gnomAD compares: Non-Finnish European, 0.00017%; no homozygotes.

Submissions (2):

ARUP Laboratories, Molecular Genetics and Genomics, ARUP Laboratories
Classification: Uncertain significance. Last evaluated: 2020-01-28. Review status: criteria provided, single submitter. Criteria: ARUP Molecular Germline Variant Investigation Process. Collection method: clinical testing. Allele origin: germline.
Comment: The TTN c.48952A>C; p.Ile16318Leu variant (rs962564634) is rare in the general population (<1% allele frequency in the Genome Aggregation Database) and has not been reported in the medical literature in association with dilated cardiomyopathy (DCM) or other TTN-related disease. The clinical relevance of rare missense variants in this gene, which are identified on average once per individual sequenced in affected populations (Herman 2012), is not well understood. Yet, evidence suggests that the vast majority of such missense variants do not contribute to the clinical outcome of DCM (Begay 2015). Thus, the clinical significance of the p.Ile16318Leu variant cannot be determined with certainty. References: Begay RL et al. Role of Titin Missense Variants in Dilated Cardiomyopathy. J Am Heart Assoc. 2015 Nov 13;4(11). Herman DS et al. Truncations of titin causing dilated cardiomyopathy. N Engl J Med. 2012 Feb 16;366(7):619-28. Linke WA and Hamdani N. Gigantic business: titin properties and function through thick and thin. Circ Res 2014; 114(6): 1052-1068.

Ambry Genetics
Classification: Uncertain significance for Cardiovascular phenotype. Last evaluated: 2019-06-12. Review status: criteria provided, single submitter. Criteria: Ambry Variant Classification Scheme 2023. Collection method: clinical testing. Allele origin: germline.
Comment: The p.I7253L variant (also known as c.21757A>C), located in coding exon 88 of the TTN gene, results from an A to C substitution at nucleotide position 21757. The isoleucine at codon 7253 is replaced by leucine, an amino acid with highly similar properties. This amino acid position is highly conserved in available vertebrate species. In addition, the in silico prediction for this alteration is inconclusive. Since supporting evidence is limited at this time, the clinical significance of this alteration remains unclear.